The following is an entry in ClinVar:

ClinVar aggregate classification (germline): Uncertain significance (1 of 4 stars; one submission).

Conditions:
Epilepsy, X-linked 1, with variable learning disabilities and behavior disorders. Also called: X-linked epilepsy-learning disabilities-behavior disorders syndrome. Identifiers: Orphanet 85294, MedGen C5774177, MONDO:0010339, OMIM 300491.

Allele frequency attached by ClinVar (database versions not stated): gnomAD exomes below 0.00001; TOPMed 0.00001; gnomAD 0.00002.

Submission:

Labcorp Genetics (formerly Invitae), Labcorp
Classification: Uncertain significance for Epilepsy, X-linked 1, with variable learning disabilities and behavior disorders. Last evaluated: 2025-06-12. Review status: criteria provided, single submitter. Criteria: Invitae Variant Classification Sherloc (09022015). Collection method: clinical testing. Allele origin: germline.
Comment: This sequence change replaces alanine, which is neutral and non-polar, with threonine, which is neutral and polar, at codon 189 of the SYN1 protein (p.Ala189Thr). This variant is not present in population databases (gnomAD no frequency). This missense change has been observed in individual(s) with clinical features of SYN1-related conditions (PMID: 33057194, 35982159). ClinVar contains an entry for this variant (Variation ID: 859212). An algorithm developed to predict the effect of missense changes on protein structure and function (PolyPhen-2) suggests that this variant is likely to be disruptive. In summary, the available evidence is currently insufficient to determine the role of this variant in disease. Therefore, it has been classified as a Variant of Uncertain Significance.

Literature cited by the submitters: PubMed 33057194; PubMed 35982159.

NM_006950.3(SYN1):c.565G>A (p.Ala189Thr)

Gene: SYN1 (synapsin I; minus strand). Cytogenetic location: Xp11.23.
Variant type: single nucleotide variant.
Coding change: c.565G>A on transcript NM_006950.3 (MANE Select); coding-DNA position 565, G replaced by A.
Protein change: p.Ala189Thr; replaces alanine 189 with threonine.
Molecular consequence: missense variant.
Genome position (GRCh38, 1-based): chrX:47,605,342, C>T on the plus strand (G>A on the coding strand, the complement: SYN1 is on the minus strand). VCF-style: chrX-47605342-C-T. GRCh37 (hg19) VCF-style: chrX-47464741-C-T.
Other names: c.565G>A, p.Ala189Thr (NM_133499.2); short protein forms A189T.
Identifiers: ClinVar variation 859212 (VCV000859212.7), dbSNP rs2057893188, ClinGen allele CA412825122.